The following is an entry in ClinVar:

NM_002941.4(ROBO1):c.4835C>T (p.Ser1612Leu)

Gene: ROBO1 (roundabout guidance receptor 1; minus strand). Cytogenetic location: 3p12.3.
Variant type: single nucleotide variant.
Coding change: c.4835C>T on transcript NM_002941.4 (MANE Select); coding-DNA position 4835, C replaced by T.
Protein change: p.Ser1612Leu; replaces serine 1612 with leucine.
Molecular consequence: missense variant.
Genome position (GRCh38, 1-based): chr3:78,600,219, G>A on the plus strand (C>T on the coding strand, the complement: ROBO1 is on the minus strand). VCF-style: chr3-78600219-G-A. GRCh37 (hg19) VCF-style: chr3-78649369-G-A.
Other names: c.4535C>T, p.Ser1512Leu (NM_001145845.2); c.4700C>T, p.Ser1567Leu (NM_133631.4); short protein forms S1567L, S1612L, S1512L.
Identifiers: ClinVar variation 1467019 (VCV001467019.8), dbSNP rs1402585434, ClinGen allele CA353682942.

ClinVar aggregate classification (germline): Uncertain significance (1 of 4 stars; one submission).

Allele frequency attached by ClinVar (database versions not stated): gnomAD 0.00001; TOPMed 0.00001.
gnomAD v4.1: 11 of 1,613,276 alleles (0.00068%); highest among the groups gnomAD compares: Non-Finnish European, 0.00093%; no homozygotes.

Submission:

Labcorp Genetics (formerly Invitae), Labcorp
Classification: Uncertain significance. Last evaluated: 2024-10-23. Review status: criteria provided, single submitter. Criteria: Invitae Variant Classification Sherloc (09022015). Collection method: clinical testing. Allele origin: germline.
Comment: This sequence change replaces serine, which is neutral and polar, with leucine, which is neutral and non-polar, at codon 1612 of the ROBO1 protein (p.Ser1612Leu). This variant is not present in population databases (gnomAD no frequency). This variant has not been reported in the literature in individuals affected with ROBO1-related conditions. ClinVar contains an entry for this variant (Variation ID: 1467019). Invitae Evidence Modeling of protein sequence and biophysical properties (such as structural, functional, and spatial information, amino acid conservation, physicochemical variation, residue mobility, and thermodynamic stability) indicates that this missense variant is not expected to disrupt ROBO1 protein function with a negative predictive value of 95%. In summary, the available evidence is currently insufficient to determine the role of this variant in disease. Therefore, it has been classified as a Variant of Uncertain Significance.